The following is an entry in ClinVar:

NM_139076.3(ABRAXAS1):c.346C>A (p.Leu116Met)

Gene: ABRAXAS1 (abraxas 1, BRCA1 A complex subunit; minus strand). Cytogenetic location: 4q21.23.
Variant type: single nucleotide variant.
Coding change: c.346C>A on transcript NM_139076.3 (MANE Select); coding-DNA position 346, C replaced by A.
Protein change: p.Leu116Met; replaces leucine 116 with methionine.
Molecular consequence: missense variant.
Genome position (GRCh38, 1-based): chr4:83,470,333, G>T on the plus strand (C>A on the coding strand, the complement: ABRAXAS1 is on the minus strand). VCF-style: chr4-83470333-G-T. GRCh37 (hg19) VCF-style: chr4-84391486-G-T.
Other names: c.19C>A, p.Leu7Met (NM_001345962.2); short protein forms L116M, L7M.
Identifiers: ClinVar variation 2624491 (VCV002624491.3), dbSNP rs2529438285, ClinGen allele CA357260036.

ClinVar aggregate classification (germline): Uncertain significance (1 of 4 stars; one submission).

Submission:

Ambry Genetics
Classification: Uncertain significance. Last evaluated: 2025-12-16. Review status: criteria provided, single submitter. Criteria: Ambry Variant Classification Scheme 2023. Collection method: clinical testing. Allele origin: germline.
Comment: The p.L116M variant (also known as c.346C>A), located in coding exon 5 of the FAM175A gene, results from a C to A substitution at nucleotide position 346. The leucine at codon 116 is replaced by methionine, an amino acid with highly similar properties. This amino acid position is conserved. In addition, this alteration is predicted to be tolerated by in silico analysis. Since supporting evidence is limited at this time, the clinical significance of this alteration remains unclear.